The following is an entry in ClinVar:

ClinVar aggregate classification (germline): Uncertain significance. Review status: criteria provided, multiple submitters, no conflicts (2 of 4 stars). 3 submissions from 3 submitters: Uncertain significance (3). Last evaluated 2025-09-03.

Conditions:
Hereditary cancer-predisposing syndrome. Also called: Neoplastic Syndromes, Hereditary; Hereditary Cancer Syndrome; Hereditary neoplastic syndrome; Tumor predisposition. Identifiers: Orphanet 140162, MedGen C0027672, MeSH D009386, MONDO:0015356.
Pheochromocytoma/paraganglioma syndrome 4. Also called: PARAGANGLIOMA, FAMILIAL MALIGNANT; PARAGANGLIOMAS, HEREDITARY EXTRAADRENAL; PHEOCHROMOCYTOMA, FAMILIAL EXTRAADRENAL; Paragangliomas 4; CAROTID BODY TUMORS AND MULTIPLE EXTRAADRENAL PHEOCHROMOCYTOMAS; SDHB-Related Hereditary Paraganglioma-Pheochromocytoma Syndrome (Paragangliomas 4). Identifiers: Orphanet 29072, MedGen C1861848, MONDO:0007273, OMIM 115310.
Gastrointestinal stromal tumor. Also called: Gastrointestinal stroma tumor; Gastrointestinal stromal tumor, somatic. Identifiers: Orphanet 44890, MedGen C0238198, MeSH D046152, MONDO:0011719, OMIM 606764, HP:0100723.
Pheochromocytoma. Also called: MAX-Related Hereditary Paraganglioma-Pheochromocytoma Syndrome. Identifiers: Orphanet 29072, MedGen C0031511, MONDO:0008233, OMIM 171300, HP:0002666.

gnomAD v4.1: 2 of 1,609,706 alleles (0.00012%); highest among the groups gnomAD compares: African/African-American, 0.0013%; no homozygotes.

Submissions (3):

Labcorp Genetics (formerly Invitae), Labcorp
Classification: Uncertain significance for Gastrointestinal stromal tumor; Pheochromocytoma/paraganglioma syndrome 4; Pheochromocytoma. Last evaluated: 2025-09-03. Review status: criteria provided, single submitter. Criteria: Invitae Variant Classification Sherloc (09022015). Collection method: clinical testing. Allele origin: germline.
Comment: This sequence change replaces methionine, which is neutral and non-polar, with valine, which is neutral and non-polar, at codon 213 of the SDHB protein (p.Met213Val). This variant is not present in population databases (gnomAD no frequency). This variant has not been reported in the literature in individuals affected with SDHB-related conditions. ClinVar contains an entry for this variant (Variation ID: 412486). Invitae Evidence Modeling of protein sequence and biophysical properties (such as structural, functional, and spatial information, amino acid conservation, physicochemical variation, residue mobility, and thermodynamic stability) indicates that this missense variant is expected to disrupt SDHB protein function with a positive predictive value of 80%. In summary, the available evidence is currently insufficient to determine the role of this variant in disease. Therefore, it has been classified as a Variant of Uncertain Significance.

GeneDx
Classification: Uncertain significance. Last evaluated: 2024-06-18. Review status: criteria provided, single submitter. Criteria: GeneDx Variant Classification Process June 2021. Collection method: clinical testing. Allele origin: germline. Affected: yes.
Comment: Not observed at significant frequency in large population cohorts (gnomAD); In silico analysis supports that this missense variant has a deleterious effect on protein structure/function; Has not been previously published as pathogenic or benign to our knowledge

Ambry Genetics
Classification: Uncertain significance for Hereditary cancer-predisposing syndrome. Last evaluated: 2023-10-26. Review status: criteria provided, single submitter. Criteria: Ambry Variant Classification Scheme 2023. Collection method: clinical testing. Allele origin: germline.
Comment: The p.M213V variant (also known as c.637A>G), located in coding exon 6 of the SDHB gene, results from an A to G substitution at nucleotide position 637. The methionine at codon 213 is replaced by valine, an amino acid with highly similar properties. This amino acid position is highly conserved in available vertebrate species. In addition, this alteration is predicted to be deleterious by in silico analysis. Since supporting evidence is limited at this time, the clinical significance of this alteration remains unclear.

NM_003000.3(SDHB):c.637A>G (p.Met213Val)

Gene: SDHB (succinate dehydrogenase complex iron sulfur subunit B; minus strand). Cytogenetic location: 1p36.13.
Variant type: single nucleotide variant.
Coding change: c.637A>G on transcript NM_003000.3 (MANE Select); coding-DNA position 637, A replaced by G.
Protein change: p.Met213Val; replaces methionine 213 with valine.
Molecular consequence: missense variant.
Genome position (GRCh38, 1-based): chr1:17,023,978, T>C on the plus strand (A>G on the coding strand, the complement: SDHB is on the minus strand). VCF-style: chr1-17023978-T-C. GRCh37 (hg19) VCF-style: chr1-17350473-T-C.
Other names: short protein forms M213V.
Identifiers: ClinVar variation 412486 (VCV000412486.13), dbSNP rs770622939, ClinGen allele CA16609912.